The following is an entry in ClinVar:

NM_173555.4(TYSND1):c.642C>T (p.Pro214=)

Gene: TYSND1 (trypsin like peroxisomal matrix peptidase 1; minus strand). Cytogenetic location: 10q22.1.
Variant type: single nucleotide variant.
Coding change: c.642C>T on transcript NM_173555.4 (MANE Select); coding-DNA position 642, C replaced by T.
Protein change: p.Pro214=; no amino-acid change (proline 214 retained).
Molecular consequence: synonymous variant.
Genome position (GRCh38, 1-based): chr10:70,145,945, G>A on the plus strand (C>T on the coding strand, the complement: TYSND1 is on the minus strand). VCF-style: chr10-70145945-G-A. GRCh37 (hg19) VCF-style: chr10-71905701-G-A.
Other names: c.642C>T, p.Pro214= (NM_001040273.3).
Identifiers: ClinVar variation 2640551 (VCV002640551.24), dbSNP rs781037714, ClinGen allele CA5536169.

ClinVar aggregate classification (germline): Likely benign (1 of 4 stars; one submission).

Allele frequency attached by ClinVar (database versions not stated): gnomAD exomes 0.00016; TOPMed 0.00019; gnomAD 0.00020; ExAC 0.00037.
gnomAD v4.1: 272 of 1,555,262 alleles (0.017%); highest among the groups gnomAD compares: Middle Eastern, 0.47%; 1 homozygote.

Submission:

CeGaT Center for Human Genetics Tuebingen
Classification: Likely benign. Last evaluated: 2022-10-01. Review status: criteria provided, single submitter. Criteria: CeGaT Center For Human Genetics Tuebingen Variant Classification Criteria Version 2. Collection method: clinical testing. Allele origin: germline. Affected: yes. Observed: 2 variant alleles.
Comment: TYSND1: BP4, BP7